The following is an entry in ClinVar:

ClinVar aggregate classification (germline): Uncertain significance (1 of 4 stars; one submission).

Conditions:
Neurofibromatosis, type 1 (NF1). Also called: VON RECKLINGHAUSEN DISEASE; Peripheral type neurofibromatosis; NEUROFIBROMATOSIS, TYPE I, SOMATIC; Neurofibromatosis, type I. Identifiers: Orphanet 636, MedGen C0027831, MONDO:0018975, OMIM 162200. Disease mechanism: loss of function.

Submission:

Labcorp Genetics (formerly Invitae), Labcorp
Classification: Uncertain significance for Neurofibromatosis, type 1. Last evaluated: 2024-09-12. Review status: criteria provided, single submitter. Criteria: Invitae Variant Classification Sherloc (09022015). Collection method: clinical testing. Allele origin: germline.
Comment: This sequence change replaces isoleucine, which is neutral and non-polar, with leucine, which is neutral and non-polar, at codon 1603 of the NF1 protein (p.Ile1603Leu). This variant is not present in population databases (gnomAD no frequency). This variant has not been reported in the literature in individuals affected with NF1-related conditions. Invitae Evidence Modeling of protein sequence and biophysical properties (such as structural, functional, and spatial information, amino acid conservation, physicochemical variation, residue mobility, and thermodynamic stability) has been performed for this missense variant. However, the output from this modeling did not meet the statistical confidence thresholds required to predict the impact of this variant on NF1 protein function. In summary, the available evidence is currently insufficient to determine the role of this variant in disease. Therefore, it has been classified as a Variant of Uncertain Significance.

NM_001042492.3(NF1):c.4870A>C (p.Ile1624Leu)

Gene: NF1 (neurofibromin 1; plus strand). Cytogenetic location: 17q11.2.
Variant type: single nucleotide variant.
Coding change: c.4870A>C on transcript NM_001042492.3 (MANE Select); coding-DNA position 4870, A replaced by C.
Protein change: p.Ile1624Leu; replaces isoleucine 1624 with leucine.
Molecular consequence: missense variant.
Genome position (GRCh38, 1-based): chr17:31,325,854, A>C. VCF-style: chr17-31325854-A-C. GRCh37 (hg19) VCF-style: chr17-29652872-A-C.
Other names: c.4807A>C, p.Ile1603Leu (NM_000267.4); short protein forms I1603L, I1624L.
Identifiers: ClinVar variation 3634566 (VCV003634566.2).